The following is an entry in ClinVar:

NM_000051.4(ATM):c.1150T>G (p.Cys384Gly)

Gene: ATM (ATM serine/threonine kinase; plus strand). Cytogenetic location: 11q22.3.
Variant type: single nucleotide variant.
Coding change: c.1150T>G on transcript NM_000051.4 (MANE Select); coding-DNA position 1150, T replaced by G.
Protein change: p.Cys384Gly; replaces cysteine 384 with glycine.
Molecular consequence: missense variant.
Genome position (GRCh38, 1-based): chr11:108,249,017, T>G. VCF-style: chr11-108249017-T-G. GRCh37 (hg19) VCF-style: chr11-108119744-T-G.
Other names: c.1150T>G (NM_000051.3); c.1150T>G, p.Cys384Gly (NM_001351834.2); short protein forms C384G.
Identifiers: ClinVar variation 1522906 (VCV001522906.7), dbSNP rs2135293079, ClinGen allele CA382532487.

ClinVar aggregate classification (germline): Uncertain significance. Review status: criteria provided, multiple submitters, no conflicts (2 of 4 stars). 2 submissions from 2 submitters: Uncertain significance (2). Last evaluated 2023-07-01.

Conditions:
Hereditary cancer-predisposing syndrome. Also called: Tumor predisposition; Hereditary neoplastic syndrome; Neoplastic Syndromes, Hereditary; Hereditary Cancer Syndrome. Identifiers: Orphanet 140162, MedGen C0027672, MeSH D009386, MONDO:0015356.
Ataxia-telangiectasia syndrome (AT). Also called: Ataxia-telangiectasia, complementation group E; Cerebello-oculocutaneous telangiectasia; Immunodeficiency with ataxia telangiectasia; ATAXIA-TELANGIECTASIA, COMPLEMENTATION GROUP A; ATAXIA-TELANGIECTASIA, FRESNO VARIANT; Ataxia-telangiectasia, complementation group D. Identifiers: Orphanet 100, MedGen C0004135, MONDO:0008840, OMIM 208900.

Submissions (2):

Ambry Genetics
Classification: Uncertain significance for Hereditary cancer-predisposing syndrome. Last evaluated: 2023-07-01. Review status: criteria provided, single submitter. Criteria: Ambry Variant Classification Scheme 2023. Collection method: clinical testing. Allele origin: germline.
Comment: The p.C384G variant (also known as c.1150T>G), located in coding exon 8 of the ATM gene, results from a T to G substitution at nucleotide position 1150. The cysteine at codon 384 is replaced by glycine, an amino acid with highly dissimilar properties. This amino acid position is conserved. In addition, this alteration is predicted to be tolerated by in silico analysis. Since supporting evidence is limited at this time, the clinical significance of this alteration remains unclear.

Labcorp Genetics (formerly Invitae), Labcorp
Classification: Uncertain significance for Ataxia-telangiectasia syndrome. Last evaluated: 2022-08-09. Review status: criteria provided, single submitter. Criteria: Invitae Variant Classification Sherloc (09022015). Collection method: clinical testing. Allele origin: germline.
Comment: This sequence change replaces cysteine, which is neutral and slightly polar, with glycine, which is neutral and non-polar, at codon 384 of the ATM protein (p.Cys384Gly). This variant is not present in population databases (gnomAD no frequency). ClinVar contains an entry for this variant (Variation ID: 1522906). This variant has not been reported in the literature in individuals affected with ATM-related conditions. In summary, the available evidence is currently insufficient to determine the role of this variant in disease. Therefore, it has been classified as a Variant of Uncertain Significance. Advanced modeling of protein sequence and biophysical properties (such as structural, functional, and spatial information, amino acid conservation, physicochemical variation, residue mobility, and thermodynamic stability) performed at Invitae indicates that this missense variant is not expected to disrupt ATM protein function.